The following is an entry in ClinVar:

NM_002890.3(RASA1):c.103C>T (p.Arg35Trp)

Gene: RASA1 (RAS p21 protein activator 1; plus strand). Cytogenetic location: 5q14.3.
Variant type: single nucleotide variant.
Coding change: c.103C>T on transcript NM_002890.3 (MANE Select); coding-DNA position 103, C replaced by T.
Protein change: p.Arg35Trp; replaces arginine 35 with tryptophan.
Molecular consequence: missense variant.
Genome position (GRCh38, 1-based): chr5:87,268,554, C>T. VCF-style: chr5-87268554-C-T. GRCh37 (hg19) VCF-style: chr5-86564371-C-T.
Other names: short protein forms R35W.
Identifiers: ClinVar variation 1773698 (VCV001773698.2), dbSNP rs1161338399, ClinGen allele CA360416786.

ClinVar aggregate classification (germline): Uncertain significance (1 of 4 stars; one submission).

Conditions:
Cardiovascular phenotype. Identifiers: MedGen CN230736.

gnomAD v4.1: 1 of 1,603,934 alleles (0.000062%); highest among the groups gnomAD compares: South Asian, 0.0011%; no homozygotes.

Submission:

Ambry Genetics
Classification: Uncertain significance for Cardiovascular phenotype. Last evaluated: 2020-03-27. Review status: criteria provided, single submitter. Criteria: Ambry Variant Classification Scheme 2023. Collection method: clinical testing. Allele origin: germline.
Comment: The p.R35W variant (also known as c.103C>T), located in coding exon 1 of the RASA1 gene, results from a C to T substitution at nucleotide position 103. The arginine at codon 35 is replaced by tryptophan, an amino acid with dissimilar properties. This amino acid position is highly conserved in available vertebrate species. In addition, the in silico prediction for this alteration is inconclusive. Since supporting evidence is limited at this time, the clinical significance of this alteration remains unclear.